The following is an entry in ClinVar:

ClinVar aggregate classification (germline): Uncertain significance (1 of 4 stars; one submission).

Conditions:
Cutis laxa, X-linked (OHS). Also called: Occipital horn syndrome; EDS IX. Identifiers: Orphanet 198, MedGen C0268353, MONDO:0010572, OMIM 304150.
Menkes kinky-hair syndrome (MNK). Also called: Copper transport disease; Menkes Disease; Classic Menkes Disease. Identifiers: Orphanet 565, MedGen C0022716, MONDO:0010651, OMIM 309400.
X-linked distal spinal muscular atrophy type 3. Also called: ATP7A-Related Distal Motor Neuropathy; SPINAL MUSCULAR ATROPHY, DISTAL, X-LINKED RECESSIVE; NEURONOPATHY, DISTAL HEREDITARY MOTOR, X-LINKED; NEUROPATHY, DISTAL HEREDITARY MOTOR, X-LINKED. Identifiers: Orphanet 139557, MedGen C1845359, MONDO:0010338, OMIM 300489.

Submission:

Labcorp Genetics (formerly Invitae), Labcorp
Classification: Uncertain significance for X-linked distal spinal muscular atrophy type 3; Cutis laxa, X-linked; Menkes kinky-hair syndrome. Last evaluated: 2024-09-20. Review status: criteria provided, single submitter. Criteria: Invitae Variant Classification Sherloc (09022015). Collection method: clinical testing. Allele origin: germline.
Comment: This sequence change replaces glutamine, which is neutral and polar, with glutamic acid, which is acidic and polar, at codon 393 of the ATP7A protein (p.Gln393Glu). This variant is not present in population databases (gnomAD no frequency). This variant has not been reported in the literature in individuals affected with ATP7A-related conditions. ClinVar contains an entry for this variant (Variation ID: 2191161). Invitae Evidence Modeling of protein sequence and biophysical properties (such as structural, functional, and spatial information, amino acid conservation, physicochemical variation, residue mobility, and thermodynamic stability) indicates that this missense variant is not expected to disrupt ATP7A protein function with a negative predictive value of 95%. In summary, the available evidence is currently insufficient to determine the role of this variant in disease. Therefore, it has been classified as a Variant of Uncertain Significance.

NM_000052.7(ATP7A):c.1177C>G (p.Gln393Glu)

Gene: ATP7A (ATPase copper transporting alpha; plus strand). Cytogenetic location: Xq21.1.
Variant type: single nucleotide variant.
Coding change: c.1177C>G on transcript NM_000052.7 (MANE Select); coding-DNA position 1177, C replaced by G.
Protein change: p.Gln393Glu; replaces glutamine 393 with glutamic acid.
Molecular consequence: missense variant.
Genome position (GRCh38, 1-based): chrX:77,989,799, C>G. VCF-style: chrX-77989799-C-G. GRCh37 (hg19) VCF-style: chrX-77245295-C-G.
Other names: c.1177C>G, p.Gln393Glu (NM_001282224.2); short protein forms Q393E.
Identifiers: ClinVar variation 2191161 (VCV002191161.3), dbSNP rs2522294916, ClinGen allele CA413601983.
Genomic context (GRCh38, chrX:77,989,799, plus strand): 5'-CAGCCTCTGACACAAGAAACTGTGATAAACATTGATGGCATGACTTGTAATTCCTGTGTG[C>G]AGTCTATTGAGGGTGTCATATCAAAAAAGCCAGGTGTAAAATCCATACGAGTCTCCCTTG-3'
Protein context (NP_000043.4, residues 383-403): IDGMTCNSCV[Gln393Glu]SIEGVISKKP